The following is an entry in ClinVar:

NM_001256071.3(RNF213):c.13672G>A (p.Val4558Met)

Genes: RNF213 (ring finger protein 213; plus strand), RNF213-AS1 (RNF213 antisense RNA 1; minus strand). Cytogenetic location: 17q25.3.
Variant type: single nucleotide variant.
Coding change: c.13672G>A on transcript NM_001256071.3 (MANE Select); coding-DNA position 13672, G replaced by A.
Protein change: p.Val4558Met; replaces valine 4558 with methionine.
Molecular consequence: missense variant.
Genome position (GRCh38, 1-based): chr17:80,380,862, G>A. VCF-style: chr17-80380862-G-A. GRCh37 (hg19) VCF-style: chr17-78354662-G-A.
Other names: c.13819G>A, p.Val4607Met (NM_001410195.1, NM_020914.5); short protein forms V4558M, V4607M.
Identifiers: ClinVar variation 4538008 (VCV004538008.1).

ClinVar aggregate classification (germline): Uncertain significance (1 of 4 stars; one submission).

gnomAD v4.1: 1 of 1,614,196 alleles (0.000062%); highest among the groups gnomAD compares: Non-Finnish European, 0.000085%; no homozygotes.

Submission:

GeneDx
Classification: Uncertain significance. Last evaluated: 2025-06-08. Review status: criteria provided, single submitter. Criteria: GeneDx Variant Classification Process June 2021. Collection method: clinical testing. Allele origin: germline. Affected: yes.
Comment: Not observed at significant frequency in large population cohorts (gnomAD); In silico analysis suggests that this missense variant does not alter protein structure/function; Has not been previously published as pathogenic or benign to our knowledge